The following is an entry in ClinVar:

ClinVar aggregate classification (germline): Likely pathogenic (1 of 4 stars; one submission).

Conditions:
Camptodactyly-arthropathy-coxa vara-pericarditis syndrome. Also called: Arthropathy camptodactyly syndrome; Pericarditis arthropathy camptodactyly syndrome; Congenital familial hypertrophic synovitis; JACOBS SYNDROME; PAC SYNDROME; FIBROSING SEROSITIS, FAMILIAL. Identifiers: Orphanet 2848, MedGen C1859690, MONDO:0008828, OMIM 208250.

Submission:

First Genomix Gene Laboratory, Genetic Diagnostics Department
Classification: Likely pathogenic for Camptodactyly-arthropathy-coxa vara-pericarditis syndrome. Last evaluated: 2025-09-19. Review status: criteria provided, single submitter. Criteria: ACMG Guidelines, 2015. Collection method: clinical testing. Allele origin: germline. Inheritance: Autosomal recessive inheritance. Affected: no. Observed: 1 variant allele.

NM_005807.6(PRG4):c.2770_2773del (p.Leu924fs)

Gene: PRG4 (proteoglycan 4; plus strand). Cytogenetic location: 1q31.1.
Variant type: Deletion.
Coding change: c.2770_2773del on transcript NM_005807.6 (MANE Select); coding-DNA positions 2770 to 2773, 4 bases deleted (TTAC; older notation c.2770_2773delTTAC).
Protein change: p.Leu924fs; shifts the reading frame from leucine 924.
Molecular consequence: frameshift variant.
Genome position (GRCh38, 1-based): chr1:186,308,489-186,308,492, TTAC deleted; deleting any 4 consecutive bases within chr1:186,308,487-186,308,492 gives the same sequence; the c. name uses the placement nearest the transcript's 3' end. VCF-style (leftmost placement, unchanged base first): chr1-186308486-GACTT-G. GRCh37 (hg19) VCF-style: chr1-186277618-GACTT-G.
Other names: c.2647_2650del, p.Leu883fs (NM_001127708.3); c.2491_2494del, p.Leu831fs (NM_001127709.3); c.2368_2371del, p.Leu790fs (NM_001127710.3); c.2641_2644del, p.Leu881fs (NM_001303232.2); short protein forms L790fs, L831fs, L881fs, L883fs, L924fs.
Identifiers: ClinVar variation 4850404 (VCV004850404.1).